The following is an entry in ClinVar:

ClinVar aggregate classification (germline): Conflicting classifications of pathogenicity. Review status: criteria provided, conflicting classifications (1 of 4 stars). 3 submissions from 3 submitters: Uncertain significance (2); Likely benign (1). Last evaluated 2025-10-02.

Conditions:
Inborn genetic diseases. Identifiers: MedGen C0950123, MeSH D030342.

Allele frequency attached by ClinVar (database versions not stated): gnomAD 0.00002; TOPMed 0.00002.
gnomAD v4.1: 55 of 1,552,166 alleles (0.0035%); highest among the groups gnomAD compares: Non-Finnish European, 0.0047%; no homozygotes.

Submissions (3):

Ambry Genetics
Classification: Uncertain significance for Inborn genetic diseases. Last evaluated: 2025-10-02. Review status: criteria provided, single submitter. Criteria: Ambry Variant Classification Scheme 2023. Collection method: clinical testing. Allele origin: germline.

GeneDx
Classification: Likely benign. Last evaluated: 2024-05-22. Review status: criteria provided, single submitter. Criteria: GeneDx Variant Classification Process June 2021. Collection method: clinical testing. Allele origin: germline. Affected: yes.
Comment: See Variant Classification Assertion Criteria.

Labcorp Genetics (formerly Invitae), Labcorp
Classification: Uncertain significance. Last evaluated: 2023-02-09. Review status: criteria provided, single submitter. Criteria: Invitae Variant Classification Sherloc (09022015). Collection method: clinical testing. Allele origin: germline.
Comment: Advanced modeling of protein sequence and biophysical properties (such as structural, functional, and spatial information, amino acid conservation, physicochemical variation, residue mobility, and thermodynamic stability) performed at Invitae indicates that this missense variant is not expected to disrupt CACNA1G protein function. In summary, the available evidence is currently insufficient to determine the role of this variant in disease. Therefore, it has been classified as a Variant of Uncertain Significance. ClinVar contains an entry for this variant (Variation ID: 1429264). This sequence change replaces aspartic acid, which is acidic and polar, with glutamic acid, which is acidic and polar, at codon 523 of the CACNA1G protein (p.Asp523Glu). This variant is present in population databases (no rsID available, gnomAD 0.003%). This variant has not been reported in the literature in individuals affected with CACNA1G-related conditions.

NM_018896.5(CACNA1G):c.1569C>A (p.Asp523Glu)

Gene: CACNA1G (calcium voltage-gated channel subunit alpha1 G; plus strand). Cytogenetic location: 17q21.33.
Variant type: single nucleotide variant.
Coding change: c.1569C>A on transcript NM_018896.5 (MANE Select); coding-DNA position 1569, C replaced by A.
Protein change: p.Asp523Glu; replaces aspartic acid 523 with glutamic acid.
Molecular consequence: missense variant. On other transcripts: non-coding transcript variant (5).
Genome position (GRCh38, 1-based): chr17:50,575,971, C>A. VCF-style: chr17-50575971-C-A. GRCh37 (hg19) VCF-style: chr17-48653332-C-A.
Other names: c.1569C>A, p.Asp523Glu (NM_001256329.2, NM_001256330.2, NM_001256331.2 and 24 more transcripts); c.1569C>A (NM_018896.3); short protein forms D523E.
Identifiers: ClinVar variation 1429264 (VCV001429264.11), dbSNP rs1290398685, ClinGen allele CA400237948.